The following is an entry in ClinVar:

ClinVar aggregate classification (germline): Uncertain significance (1 of 4 stars; one submission).

Submission:

Labcorp Genetics (formerly Invitae), Labcorp
Classification: Uncertain significance. Last evaluated: 2022-06-25. Review status: criteria provided, single submitter. Criteria: Invitae Variant Classification Sherloc (09022015). Collection method: clinical testing. Allele origin: germline.
Comment: This sequence change replaces proline, which is neutral and non-polar, with threonine, which is neutral and polar, at codon 823 of the LPIN1 protein (p.Pro823Thr). In summary, the available evidence is currently insufficient to determine the role of this variant in disease. Therefore, it has been classified as a Variant of Uncertain Significance. Algorithms developed to predict the effect of missense changes on protein structure and function are either unavailable or do not agree on the potential impact of this missense change (SIFT: "Tolerated"; PolyPhen-2: "Probably Damaging"; Align-GVGD: "Class C0"). This variant has not been reported in the literature in individuals affected with LPIN1-related conditions. This variant is not present in population databases (gnomAD no frequency).

NM_001349206.2(LPIN1):c.2575C>A (p.Pro859Thr)

Gene: LPIN1 (lipin 1; plus strand). Cytogenetic location: 2p25.1.
Variant type: single nucleotide variant.
Coding change: c.2575C>A on transcript NM_001349206.2 (MANE Select); coding-DNA position 2575, C replaced by A.
Protein change: p.Pro859Thr; replaces proline 859 with threonine.
Molecular consequence: missense variant. On other transcripts: non-coding transcript variant (1).
Genome position (GRCh38, 1-based): chr2:11,820,468, C>A. VCF-style: chr2-11820468-C-A. GRCh37 (hg19) VCF-style: chr2-11960594-C-A.
Other names: c.2485C>A, p.Pro829Thr (NM_001261427.3); c.2722C>A, p.Pro908Thr (NM_001261428.3); c.2467C>A, p.Pro823Thr (NM_001349199.2, NM_145693.4); c.2545C>A, p.Pro849Thr (NM_001349200.2, NM_001349201.2); c.2572C>A, p.Pro858Thr (NM_001349202.2, NM_001349203.2); c.2575C>A, p.Pro859Thr (NM_001349204.2, NM_001349205.2); c.2665C>A, p.Pro889Thr (NM_001349207.2); c.2614C>A, p.Pro872Thr (NM_001349208.2); short protein forms P829T, P849T, P872T, P889T, P908T, P823T, P858T, P859T.
Identifiers: ClinVar variation 2010616 (VCV002010616.4), dbSNP rs1681319318, ClinGen allele CA345860366.
Genomic context (GRCh38, chr2:11,820,468, plus strand): 5'-TAGGATGTGTATTCATACAAGCAAGTAGGAGTGTCTTTGAATAGAATATTTACCGTCAAC[C>A]CTAAAGGAGAGCTGGTACAGGAACATGCAAAGACCAACATCTCTTCGTGAGTATTGTACA-3'
Protein context (NP_001336135.1, residues 849-869): VSLNRIFTVN[Pro859Thr]KGELVQEHAK